The following is an entry in ClinVar:

NM_152594.3(SPRED1):c.649T>G (p.Ser217Ala)

Gene: SPRED1 (sprouty related EVH1 domain containing 1; plus strand). Cytogenetic location: 15q14.
Variant type: single nucleotide variant.
Coding change: c.649T>G on transcript NM_152594.3 (MANE Select); coding-DNA position 649, T replaced by G.
Protein change: p.Ser217Ala; replaces serine 217 with alanine.
Molecular consequence: missense variant.
Genome position (GRCh38, 1-based): chr15:38,349,488, T>G. VCF-style: chr15-38349488-T-G. GRCh37 (hg19) VCF-style: chr15-38641689-T-G.
Other names: c.649T>G (NM_152594.2); short protein forms S217A.
Identifiers: ClinVar variation 2186980 (VCV002186980.5), dbSNP rs2542739374, ClinGen allele CA391932914.

ClinVar aggregate classification (germline): Uncertain significance. Review status: criteria provided, multiple submitters, no conflicts (2 of 4 stars). 2 submissions from 2 submitters: Uncertain significance (2). Last evaluated 2026-04-03.

Conditions:
Cardiovascular phenotype. Identifiers: MedGen CN230736.
Legius syndrome. Identifiers: Orphanet 137605, MedGen C1969623, MONDO:0012669, OMIM 611431. Disease mechanism: loss of function.

gnomAD v4.1: 2 of 1,612,628 alleles (0.00012%); highest among the groups gnomAD compares: Non-Finnish European, 0.00017%; no homozygotes.

Submissions (2):

Ambry Genetics
Classification: Uncertain significance for Cardiovascular phenotype. Last evaluated: 2026-04-03. Review status: criteria provided, single submitter. Criteria: Ambry Variant Classification Scheme 2023. Collection method: clinical testing. Allele origin: germline.
Comment: The p.S217A variant (also known as c.649T>G), located in coding exon 6 of the SPRED1 gene, results from a T to G substitution at nucleotide position 649. The serine at codon 217 is replaced by alanine, an amino acid with similar properties. This amino acid position is conserved. In addition, this alteration is predicted to be tolerated by in silico analysis. Based on the available evidence, the clinical significance of this variant remains unclear.

Labcorp Genetics (formerly Invitae), Labcorp
Classification: Uncertain significance for Legius syndrome. Last evaluated: 2022-07-12. Review status: criteria provided, single submitter. Criteria: Invitae Variant Classification Sherloc (09022015). Collection method: clinical testing. Allele origin: germline.
Comment: In summary, the available evidence is currently insufficient to determine the role of this variant in disease. Therefore, it has been classified as a Variant of Uncertain Significance. Algorithms developed to predict the effect of missense changes on protein structure and function (SIFT, PolyPhen-2, Align-GVGD) all suggest that this variant is likely to be tolerated. This variant has not been reported in the literature in individuals affected with SPRED1-related conditions. This variant is not present in population databases (gnomAD no frequency). This sequence change replaces serine, which is neutral and polar, with alanine, which is neutral and non-polar, at codon 217 of the SPRED1 protein (p.Ser217Ala).